The following is an entry in ClinVar:

ClinVar aggregate classification (germline): Pathogenic (1 of 4 stars; one submission).

Conditions:
Pigmentary pallidal degeneration (NBIA1). Also called: Pantothenate Kinase-Associated Neurodegeneration; Neuroaxonal dystrophy, late infantile; Hallervorden-Spatz disease; PKAN NEUROAXONAL DYSTROPHY, JUVENILE-ONSET; HARP SYNDROME; Neurodegeneration with brain iron accumulation 1. Identifiers: Orphanet 157850, MedGen C0018523, MONDO:0009319, OMIM 234200.

Submission:

Labcorp Genetics (formerly Invitae), Labcorp
Classification: Pathogenic for Pigmentary pallidal degeneration. Last evaluated: 2025-12-30. Review status: criteria provided, single submitter. Criteria: Invitae Variant Classification Sherloc (09022015). Collection method: clinical testing. Allele origin: germline.
Comment: This sequence change creates a premature translational stop signal (p.Leu379*) in the PANK2 gene. It is expected to result in an absent or disrupted protein product. Loss-of-function variants in PANK2 are known to be pathogenic (PMID: 11479594, 12510040). This variant is not present in population databases (gnomAD no frequency). This variant has not been reported in the literature in individuals affected with PANK2-related conditions. For these reasons, this variant has been classified as Pathogenic.

Literature cited by the submitters: PubMed 11479594; PubMed 12510040.

NM_001386393.1(PANK2):c.806T>A (p.Leu269Ter)

Gene: PANK2 (pantothenate kinase 2; plus strand). Cytogenetic location: 20p13.
Variant type: single nucleotide variant.
Coding change: c.806T>A on transcript NM_001386393.1 (MANE Select); coding-DNA position 806, T replaced by A.
Protein change: p.Leu269Ter; replaces leucine 269 with a stop codon.
Molecular consequence: nonsense. On other transcripts: 5 prime UTR variant (1), non-coding transcript variant (1).
Genome position (GRCh38, 1-based): chr20:3,910,731, T>A. VCF-style: chr20-3910731-T-A. GRCh37 (hg19) VCF-style: chr20-3891378-T-A.
Other names: c.263T>A, p.Leu88Ter (NM_001324191.2, NM_024960.6, NM_153640.4); c.-173T>A (NM_001324193.2); c.1136T>A, p.Leu379Ter (NM_153638.4); short protein forms L269*, L88*, L379*.
Identifiers: ClinVar variation 4734475 (VCV004734475.1).